The following is an entry in ClinVar:

NM_001621.5(AHR):c.1346A>G (p.Asp449Gly)

Gene: AHR (aryl hydrocarbon receptor; plus strand). Cytogenetic location: 7p21.1.
Variant type: single nucleotide variant.
Coding change: c.1346A>G on transcript NM_001621.5 (MANE Select); coding-DNA position 1346, A replaced by G.
Protein change: p.Asp449Gly; replaces aspartic acid 449 with glycine.
Molecular consequence: missense variant.
Genome position (GRCh38, 1-based): chr7:17,339,171, A>G. VCF-style: chr7-17339171-A-G. GRCh37 (hg19) VCF-style: chr7-17378795-A-G.
Other names: short protein forms D449G.
Identifiers: ClinVar variation 1363208 (VCV001363208.7), dbSNP rs760531260, ClinGen allele CA4172094.

ClinVar aggregate classification (germline): Uncertain significance (1 of 4 stars; one submission).

Allele frequency attached by ClinVar (database versions not stated): gnomAD exomes below 0.00001 and 0.00001; ExAC 0.00002.
gnomAD v4.1: 2 of 1,614,066 alleles (0.00012%); highest among the groups gnomAD compares: Admixed American, 0.0033%; no homozygotes.

Submission:

Labcorp Genetics (formerly Invitae), Labcorp
Classification: Uncertain significance. Last evaluated: 2023-05-15. Review status: criteria provided, single submitter. Criteria: Invitae Variant Classification Sherloc (09022015). Collection method: clinical testing. Allele origin: germline.
Comment: In summary, the available evidence is currently insufficient to determine the role of this variant in disease. Therefore, it has been classified as a Variant of Uncertain Significance. Algorithms developed to predict the effect of missense changes on protein structure and function output the following: SIFT: "Not Available"; PolyPhen-2: "Benign"; Align-GVGD: "Not Available". The glycine amino acid residue is found in multiple mammalian species, which suggests that this missense change does not adversely affect protein function. ClinVar contains an entry for this variant (Variation ID: 1363208). This variant has not been reported in the literature in individuals affected with AHR-related conditions. This variant is present in population databases (rs760531260, gnomAD 0.006%). This sequence change replaces aspartic acid, which is acidic and polar, with glycine, which is neutral and non-polar, at codon 449 of the AHR protein (p.Asp449Gly).